The following is an entry in ClinVar:

NM_032131.6(ARMC2):c.2547A>G (p.Leu849=)

Gene: ARMC2 (armadillo repeat containing 2; plus strand). Cytogenetic location: 6q21.
Variant type: single nucleotide variant.
Coding change: c.2547A>G on transcript NM_032131.6 (MANE Select); coding-DNA position 2547, A replaced by G.
Protein change: p.Leu849=; no amino-acid change (leucine 849 retained).
Molecular consequence: synonymous variant.
Genome position (GRCh38, 1-based): chr6:108,973,457, A>G. VCF-style: chr6-108973457-A-G. GRCh37 (hg19) VCF-style: chr6-109294660-A-G.
Other names: c.2052A>G, p.Leu684= (NM_001286609.2).
Identifiers: ClinVar variation 4534670 (VCV004534670.6).

ClinVar aggregate classification (germline): Likely benign (1 of 4 stars; one submission).

Submission:

CeGaT Center for Human Genetics Tuebingen
Classification: Likely benign. Last evaluated: 2025-10-01. Review status: criteria provided, single submitter. Criteria: CeGaT Center For Human Genetics Tuebingen Variant Classification Criteria Version 2. Collection method: clinical testing. Allele origin: germline. Affected: yes. Observed: 1 variant allele.
Comment: ARMC2: BP4, BP7